The following is an entry in ClinVar:

NM_012470.4(TNPO3):c.381A>C (p.Gln127His)

Gene: TNPO3 (transportin 3; minus strand). Cytogenetic location: 7q32.1.
Variant type: single nucleotide variant.
Coding change: c.381A>C on transcript NM_012470.4 (MANE Select); coding-DNA position 381, A replaced by C.
Protein change: p.Gln127His; replaces glutamine 127 with histidine.
Molecular consequence: missense variant. On other transcripts: non-coding transcript variant (18).
Genome position (GRCh38, 1-based): chr7:129,016,997, T>G on the plus strand (A>C on the coding strand, the complement: TNPO3 is on the minus strand). VCF-style: chr7-129016997-T-G. GRCh37 (hg19) VCF-style: chr7-128657051-T-G.
Other names: c.381A>C, p.Gln127His (NM_001191028.3, NM_001382216.1, NM_001382217.1 and 6 more transcripts); short protein forms Q127H.
Identifiers: ClinVar variation 971761 (VCV000971761.10), dbSNP rs1803924867, ClinGen allele CA369247371.
Genomic context (GRCh38, chr7:129,016,997, plus strand): 5'-AATGGCAATTCCAAATGCTAATATAGAGTCAATACAAATTACTTACTTTTCCACCAGTGT[T>G]TGCACACATCCCTTCCAGGAAGGCATCTGTAGGGCAAGATCTGCTATTGCTAAAGCCAGC-3'
Protein context (NP_036602.1, residues 117-137): LQMPSWKGCV[Gln127His]TLVEKYSNDV

ClinVar aggregate classification (germline): Uncertain significance (1 of 4 stars; one submission).

Conditions:
Autosomal dominant limb-girdle muscular dystrophy type 1F (LGMDD2). Also called: Limb-girdle muscular dystrophy, type 1F; MUSCULAR DYSTROPHY, LIMB-GIRDLE, AUTOSOMAL DOMINANT 2. Identifiers: Orphanet 55595, MedGen C1842062, MONDO:0012034, OMIM 608423.

Allele frequency attached by ClinVar (database versions not stated): gnomAD exomes below 0.00001.
gnomAD v4.1: 6 of 1,613,250 alleles (0.00037%); highest among the groups gnomAD compares: Non-Finnish European, 0.00051%; no homozygotes.

Submission:

Labcorp Genetics (formerly Invitae), Labcorp
Classification: Uncertain significance for Autosomal dominant limb-girdle muscular dystrophy type 1F. Last evaluated: 2022-01-17. Review status: criteria provided, single submitter. Criteria: Invitae Variant Classification Sherloc (09022015). Collection method: clinical testing. Allele origin: germline.
Comment: In summary, the available evidence is currently insufficient to determine the role of this variant in disease. Therefore, it has been classified as a Variant of Uncertain Significance. Algorithms developed to predict the effect of missense changes on protein structure and function (SIFT, PolyPhen-2, Align-GVGD) all suggest that this variant is likely to be tolerated. ClinVar contains an entry for this variant (Variation ID: 971761). This variant has not been reported in the literature in individuals affected with TNPO3-related conditions. This variant is not present in population databases (gnomAD no frequency). This sequence change replaces glutamine, which is neutral and polar, with histidine, which is basic and polar, at codon 127 of the TNPO3 protein (p.Gln127His).